The following is an entry in ClinVar:

NM_017763.6(RNF43):c.2150C>A (p.Pro717His)

Gene: RNF43 (ring finger protein 43; minus strand). Cytogenetic location: 17q22.
Variant type: single nucleotide variant.
Coding change: c.2150C>A on transcript NM_017763.6 (MANE Select); coding-DNA position 2150, C replaced by A.
Protein change: p.Pro717His; replaces proline 717 with histidine.
Molecular consequence: missense variant.
Genome position (GRCh38, 1-based): chr17:58,357,626, G>T on the plus strand (C>A on the coding strand, the complement: RNF43 is on the minus strand). VCF-style: chr17-58357626-G-T. GRCh37 (hg19) VCF-style: chr17-56434987-G-T.
Other names: c.2150C>A, p.Pro717His (NM_001305544.3); c.1769C>A, p.Pro590His (NM_001305545.2); short protein forms P590H, P717H.
Identifiers: ClinVar variation 3789883 (VCV003789883.1).

ClinVar aggregate classification (germline): Uncertain significance (1 of 4 stars; one submission).

Submission:

Ambry Genetics
Classification: Uncertain significance. Last evaluated: 2025-01-04. Review status: criteria provided, single submitter. Criteria: Ambry Variant Classification Scheme 2023. Collection method: clinical testing. Allele origin: germline.
Comment: The p.P717H variant (also known as c.2150C>A), located in coding exon 8 of the RNF43 gene, results from a C to A substitution at nucleotide position 2150. The proline at codon 717 is replaced by histidine, an amino acid with similar properties. This amino acid position is conserved. In addition, this alteration is predicted to be tolerated by in silico analysis. Based on the available evidence, the clinical significance of this variant remains unclear.